The following is an entry in ClinVar:

ClinVar aggregate classification (germline): Uncertain significance (1 of 4 stars; one submission).

gnomAD v4.1: 2 of 1,609,804 alleles (0.00012%); highest among the groups gnomAD compares: Admixed American, 0.0017%; no homozygotes.

Submission:

Labcorp Genetics (formerly Invitae), Labcorp
Classification: Uncertain significance. Last evaluated: 2024-10-30. Review status: criteria provided, single submitter. Criteria: Invitae Variant Classification Sherloc (09022015). Collection method: clinical testing. Allele origin: germline.
Comment: This sequence change replaces threonine, which is neutral and polar, with isoleucine, which is neutral and non-polar, at codon 2108 of the CACNA1E protein (p.Thr2108Ile). This variant is present in population databases (no rsID available, gnomAD 0.003%). This variant has not been reported in the literature in individuals affected with CACNA1E-related conditions. Invitae Evidence Modeling of protein sequence and biophysical properties (such as structural, functional, and spatial information, amino acid conservation, physicochemical variation, residue mobility, and thermodynamic stability) has been performed for this missense variant. However, the output from this modeling did not meet the statistical confidence thresholds required to predict the impact of this variant on CACNA1E protein function. In summary, the available evidence is currently insufficient to determine the role of this variant in disease. Therefore, it has been classified as a Variant of Uncertain Significance.

NM_001205293.3(CACNA1E):c.6452C>T (p.Thr2151Ile)

Gene: CACNA1E (calcium voltage-gated channel subunit alpha1 E; plus strand). Cytogenetic location: 1q25.3.
Variant type: single nucleotide variant.
Coding change: c.6452C>T on transcript NM_001205293.3 (MANE Select); coding-DNA position 6452, C replaced by T.
Protein change: p.Thr2151Ile; replaces threonine 2151 with isoleucine.
Molecular consequence: missense variant.
Genome position (GRCh38, 1-based): chr1:181,798,344, C>T. VCF-style: chr1-181798344-C-T. GRCh37 (hg19) VCF-style: chr1-181767480-C-T.
Other names: c.6266C>T, p.Thr2089Ile (NM_001205294.2); c.6323C>T, p.Thr2108Ile (NM_000721.4); short protein forms T2089I, T2108I, T2151I.
Identifiers: ClinVar variation 3633697 (VCV003633697.2).